The following is an entry in ClinVar:

ClinVar aggregate classification (germline): Uncertain significance (1 of 4 stars; one submission).

Conditions:
Hypertrophic cardiomyopathy 19. Also called: Familial hypertrophic cardiomyopathy 19. Identifiers: MedGen CN077603, MONDO:0013476.

Submission:

Labcorp Genetics (formerly Invitae), Labcorp
Classification: Uncertain significance for Hypertrophic cardiomyopathy 19. Last evaluated: 2024-09-26. Review status: criteria provided, single submitter. Criteria: Invitae Variant Classification Sherloc (09022015). Collection method: clinical testing. Allele origin: germline.
Comment: This sequence change creates a premature translational stop signal (p.Glu361Argfs*8) in the CALR3 gene. While this is not anticipated to result in nonsense mediated decay, it is expected to disrupt the last 24 amino acid(s) of the CALR3 protein. This variant is not present in population databases (gnomAD no frequency). This variant has not been reported in the literature in individuals affected with CALR3-related conditions. In summary, the available evidence is currently insufficient to determine the role of this variant in disease. Therefore, it has been classified as a Variant of Uncertain Significance.

NM_145046.5(CALR3):c.1081_1082del (p.Glu361fs)

Gene: CALR3 (calreticulin 3; minus strand). Cytogenetic location: 19p13.11.
Variant type: Deletion.
Coding change: c.1081_1082del on transcript NM_145046.5 (MANE Select); coding-DNA positions 1081 to 1082, 2 bases deleted (GA; older notation c.1081_1082delGA).
Protein change: p.Glu361fs; shifts the reading frame from glutamic acid 361.
Molecular consequence: frameshift variant.
Genome position (GRCh38, 1-based): chr19:16,479,204-16,479,205, TC deleted on the plus strand (GA on the coding strand, the reverse complement: CALR3 is on the minus strand). VCF-style (leftmost placement, unchanged base first): chr19-16479203-TTC-T. GRCh37 (hg19) VCF-style: chr19-16590014-TTC-T.
Other names: short protein forms E361fs.
Identifiers: ClinVar variation 3673992 (VCV003673992.2).
Genomic context (GRCh38, chr19:16,479,203, plus strand): 5'-CCTTCTGTGAAATTGATTGAAGTAATGTTCGTGCCTGTTAATTTTTCCCGACAGCAGCTC[TTC>T]CTCCTCTTCCTCGCGGGCCTTCTTCATTTCCTCCTTGGCCTGTATGGCATCCATCTCCCT-3'